The following is an entry in ClinVar:

NM_016011.5(MECR):c.118C>T (p.Pro40Ser)

Gene: MECR (mitochondrial trans-2-enoyl-CoA reductase; minus strand). Cytogenetic location: 1p35.3.
Variant type: single nucleotide variant.
Coding change: c.118C>T on transcript NM_016011.5 (MANE Select); coding-DNA position 118, C replaced by T.
Protein change: p.Pro40Ser; replaces proline 40 with serine.
Molecular consequence: missense variant. On other transcripts: 5 prime UTR variant (6), non-coding transcript variant (4).
Genome position (GRCh38, 1-based): chr1:29,230,789, G>A on the plus strand (C>T on the coding strand, the complement: MECR is on the minus strand). VCF-style: chr1-29230789-G-A. GRCh37 (hg19) VCF-style: chr1-29557301-G-A.
Other names: c.-238C>T (NM_001024732.4); c.-442C>T (NM_001349711.2); c.-443C>T (NM_001349712.2); c.-320C>T (NM_001349713.2); c.-232C>T (NM_001349714.2); c.118C>T, p.Pro40Ser (NM_001349715.2, NM_001349716.2); c.-25C>T (NM_001349717.2); short protein forms P40S.
Identifiers: ClinVar variation 1944746 (VCV001944746.5), dbSNP rs374505770, ClinGen allele CA725899.

ClinVar aggregate classification (germline): Uncertain significance (1 of 4 stars; one submission).

Allele frequency attached by ClinVar (database versions not stated): ESP Exome Variant Server 0.00008.

Submission:

Labcorp Genetics (formerly Invitae), Labcorp
Classification: Uncertain significance. Last evaluated: 2022-05-02. Review status: criteria provided, single submitter. Criteria: Invitae Variant Classification Sherloc (09022015). Collection method: clinical testing. Allele origin: germline.
Comment: This variant has not been reported in the literature in individuals affected with MECR-related conditions. In summary, the available evidence is currently insufficient to determine the role of this variant in disease. Therefore, it has been classified as a Variant of Uncertain Significance. Algorithms developed to predict the effect of missense changes on protein structure and function output the following: SIFT: "Tolerated"; PolyPhen-2: "Benign"; Align-GVGD: "Class C0". The serine amino acid residue is found in multiple mammalian species, which suggests that this missense change does not adversely affect protein function. This variant is present in population databases (rs374505770, gnomAD 0.006%). This sequence change replaces proline, which is neutral and non-polar, with serine, which is neutral and polar, at codon 40 of the MECR protein (p.Pro40Ser).